The following is an entry in ClinVar:

NM_206933.4(USH2A):c.290A>G (p.Tyr97Cys)

Gene: USH2A (usherin; minus strand). Cytogenetic location: 1q41.
Variant type: single nucleotide variant.
Coding change: c.290A>G on transcript NM_206933.4 (MANE Select); coding-DNA position 290, A replaced by G.
Protein change: p.Tyr97Cys; replaces tyrosine 97 with cysteine.
Molecular consequence: missense variant.
Genome position (GRCh38, 1-based): chr1:216,422,047, T>C on the plus strand (A>G on the coding strand, the complement: USH2A is on the minus strand). VCF-style: chr1-216422047-T-C. GRCh37 (hg19) VCF-style: chr1-216595389-T-C.
Other names: c.290A>G, p.Tyr97Cys (NM_007123.6); short protein forms Y97C.
Identifiers: ClinVar variation 4800042 (VCV004800042.1).

ClinVar aggregate classification (germline): Uncertain significance (1 of 4 stars; one submission).

gnomAD v4.1: 3 of 1,613,822 alleles (0.00019%); highest among the groups gnomAD compares: Non-Finnish European, 0.00025%; no homozygotes.

Submission:

Labcorp Genetics (formerly Invitae), Labcorp
Classification: Uncertain significance. Last evaluated: 2025-06-01. Review status: criteria provided, single submitter. Criteria: Invitae Variant Classification Sherloc (09022015). Collection method: clinical testing. Allele origin: germline.
Comment: This sequence change replaces tyrosine, which is neutral and polar, with cysteine, which is neutral and slightly polar, at codon 97 of the USH2A protein (p.Tyr97Cys). This variant is not present in population databases (gnomAD no frequency). This variant has not been reported in the literature in individuals affected with USH2A-related conditions. Invitae Evidence Modeling of protein sequence and biophysical properties (such as structural, functional, and spatial information, amino acid conservation, physicochemical variation, residue mobility, and thermodynamic stability) indicates that this missense variant is not expected to disrupt USH2A protein function with a negative predictive value of 95%. In summary, the available evidence is currently insufficient to determine the role of this variant in disease. Therefore, it has been classified as a Variant of Uncertain Significance.